The following is an entry in ClinVar:

ClinVar aggregate classification (germline): Uncertain significance (1 of 4 stars; one submission).

Submission:

CeGaT Center for Human Genetics Tuebingen
Classification: Uncertain significance. Last evaluated: 2023-01-01. Review status: criteria provided, single submitter. Criteria: CeGaT Center For Human Genetics Tuebingen Variant Classification Criteria Version 2. Collection method: clinical testing. Allele origin: germline. Affected: yes. Observed: 1 variant allele.
Comment: TTN: PM2, BP4

NM_001267550.2(TTN):c.91628G>T (p.Ser30543Ile)

Genes: TTN (titin; minus strand), TTN-AS1 (TTN antisense RNA 1; plus strand). Cytogenetic location: 2q31.2.
Variant type: single nucleotide variant.
Coding change: c.91628G>T on transcript NM_001267550.2 (MANE Select); coding-DNA position 91628, G replaced by T.
Protein change: p.Ser30543Ile; replaces serine 30543 with isoleucine.
Molecular consequence: missense variant.
Genome position (GRCh38, 1-based): chr2:178,550,210, C>A on the plus strand (G>T on the coding strand, the complement: TTN is on the minus strand). VCF-style: chr2-178550210-C-A. GRCh37 (hg19) VCF-style: chr2-179414937-C-A.
Other names: c.86705G>T, p.Ser28902Ile (NM_001256850.1); c.64433G>T, p.Ser21478Ile (NM_003319.4); c.83924G>T, p.Ser27975Ile (NM_133378.4); c.64808G>T, p.Ser21603Ile (NM_133432.3); c.65009G>T, p.Ser21670Ile (NM_133437.4); short protein forms S21478I, S21603I, S21670I, S27975I, S28902I, S30543I.
Identifiers: ClinVar variation 2651592 (VCV002651592.24), dbSNP rs2469191390, ClinGen allele CA349499529.